The following is an entry in ClinVar:

ClinVar aggregate classification (germline): Uncertain significance. Review status: criteria provided, multiple submitters, no conflicts (2 of 4 stars). 2 submissions from 2 submitters: Uncertain significance (2). Last evaluated 2024-01-30.

Conditions:
Early-infantile DEE. Also called: Early infantile epileptic encephalopathy with suppression bursts; Early infantile epileptic encephalopathy; Ohtahara syndrome. Identifiers: Orphanet 1934, MedGen C0393706, MONDO:0800491.
Inborn genetic diseases. Identifiers: MedGen C0950123, MeSH D030342.

Allele frequency attached by ClinVar (database versions not stated): gnomAD 0.00001; gnomAD exomes 0.00001; ExAC 0.00002; TOPMed 0.00004.
gnomAD v4.1: 13 of 1,614,064 alleles (0.00081%); highest among the groups gnomAD compares: East Asian, 0.027%; no homozygotes.

Submissions (2):

Ambry Genetics
Classification: Uncertain significance for Inborn genetic diseases. Last evaluated: 2024-01-30. Review status: criteria provided, single submitter. Criteria: Ambry Variant Classification Scheme 2023. Collection method: clinical testing. Allele origin: germline.

Labcorp Genetics (formerly Invitae), Labcorp
Classification: Uncertain significance for Early-infantile DEE. Last evaluated: 2022-06-25. Review status: criteria provided, single submitter. Criteria: Invitae Variant Classification Sherloc (09022015). Collection method: clinical testing. Allele origin: germline.
Comment: This sequence change replaces aspartic acid, which is acidic and polar, with glycine, which is neutral and non-polar, at codon 865 of the KCNH5 protein (p.Asp865Gly). This variant is present in population databases (rs765652339, gnomAD 0.05%). This variant has not been reported in the literature in individuals affected with KCNH5-related conditions. Algorithms developed to predict the effect of missense changes on protein structure and function are either unavailable or do not agree on the potential impact of this missense change (SIFT: "Tolerated"; PolyPhen-2: "Probably Damaging"; Align-GVGD: "Class C0"). In summary, the available evidence is currently insufficient to determine the role of this variant in disease. Therefore, it has been classified as a Variant of Uncertain Significance.

NM_139318.5(KCNH5):c.2594A>G (p.Asp865Gly)

Gene: KCNH5 (potassium voltage-gated channel subfamily H member 5; minus strand). Cytogenetic location: 14q23.2.
Variant type: single nucleotide variant.
Coding change: c.2594A>G on transcript NM_139318.5 (MANE Select); coding-DNA position 2594, A replaced by G.
Protein change: p.Asp865Gly; replaces aspartic acid 865 with glycine.
Molecular consequence: missense variant. On other transcripts: 3 prime UTR variant (1).
Genome position (GRCh38, 1-based): chr14:62,707,881, T>C on the plus strand (A>G on the coding strand, the complement: KCNH5 is on the minus strand). VCF-style: chr14-62707881-T-C. GRCh37 (hg19) VCF-style: chr14-63174599-T-C.
Other names: c.*561A>G (NM_172375.3); c.2594A>G (NM_139318.3); short protein forms D865G.
Identifiers: ClinVar variation 2191543 (VCV002191543.5), dbSNP rs765652339, ClinGen allele CA7217222.
Genomic context (GRCh38, chr14:62,707,881, plus strand): 5'-AGCGGACTTCGGGCCTCCCCAGCCTTATCCAAACGAAGGTCACTTTTTGTAATTCCACTG[T>C]CACAAGAATCTGTTTTTCTTAGTGGGTTTTTGGTCACACTGTTCTCTGAATCACTGCTCT-3'
Protein context (NP_647479.2, residues 855-875): KNPLRKTDSC[Asp865Gly]SGITKSDLRL